The following is an entry in ClinVar:

NM_000303.3(PMM2):c.573C>A (p.Tyr191Ter)

Gene: PMM2 (phosphomannomutase 2; plus strand). Cytogenetic location: 16p13.2.
Variant type: single nucleotide variant.
Coding change: c.573C>A on transcript NM_000303.3 (MANE Select); coding-DNA position 573, C replaced by A.
Protein change: p.Tyr191Ter; replaces tyrosine 191 with a stop codon.
Molecular consequence: nonsense.
Genome position (GRCh38, 1-based): chr16:8,813,040, C>A. VCF-style: chr16-8813040-C-A. GRCh37 (hg19) VCF-style: chr16-8906897-C-A.
Other names: c.573C>A (NM_000303.2); short protein forms Y191*.
Identifiers: ClinVar variation 1333359 (VCV001333359.8), dbSNP rs201440361, ClinGen allele CA7894137.

ClinVar aggregate classification (germline): Pathogenic/Likely pathogenic. Review status: criteria provided, multiple submitters, no conflicts (2 of 4 stars). 4 submissions from 4 submitters: Pathogenic (2); Likely pathogenic (2). Last evaluated 2026-06-23.

Conditions:
Inborn genetic diseases. Identifiers: MedGen C0950123, MeSH D030342.
PMM2-congenital disorder of glycosylation. Also called: PHOSPHOMANNOMUTASE 2 DEFICIENCY; Congenital disorder of glycosylation, type Ia; PMM2-CDG; CARBOHYDRATE-DEFICIENT GLYCOPROTEIN SYNDROME, TYPE Ia; CDG Ia; JAEKEN SYNDROME. Identifiers: Orphanet 79318, MedGen C0349653, MONDO:0008907, OMIM 212065.

gnomAD v4.1: 8 of 1,613,714 alleles (0.0005%); highest among the groups gnomAD compares: South Asian, 0.0088%; no homozygotes.

Submissions (4):

Ambry Genetics
Classification: Pathogenic for Inborn genetic diseases. Last evaluated: 2026-06-23. Review status: criteria provided, single submitter. Criteria: Ambry Variant Classification Scheme 2023. Collection method: clinical testing. Allele origin: germline.
Comment: The c.573C>A (p.Y191*) alteration, located in exon 7 (coding exon 7) of the PMM2 gene, consists of a C to A substitution at nucleotide position 573. This changes the amino acid from a tyrosine (Y) to a stop codon at amino acid position 191. This variant is expected to result in loss of function by premature protein truncation or nonsense-mediated mRNA decay. Based on data from gnomAD, the A allele has an overall frequency of <0.001% (1/251486) total alleles studied. The highest observed frequency was 0.003% (1/30616) of South Asian alleles. Based on the available evidence, this alteration is classified as pathogenic.

Labcorp Genetics (formerly Invitae), Labcorp
Classification: Pathogenic for PMM2-congenital disorder of glycosylation. Last evaluated: 2023-10-03. Review status: criteria provided, single submitter. Criteria: Invitae Variant Classification Sherloc (09022015). Collection method: clinical testing. Allele origin: germline.
Comment: This sequence change creates a premature translational stop signal (p.Tyr191*) in the PMM2 gene. It is expected to result in an absent or disrupted protein product. Loss-of-function variants in PMM2 are known to be pathogenic (PMID: 19862844). This variant is present in population databases (rs201440361, gnomAD 0.003%). This variant has not been reported in the literature in individuals affected with PMM2-related conditions. ClinVar contains an entry for this variant (Variation ID: 1333359). For these reasons, this variant has been classified as Pathogenic.

3billion
Classification: Likely pathogenic for PMM2-congenital disorder of glycosylation. Last evaluated: 2022-01-03. Review status: criteria provided, single submitter. Criteria: ACMG Guidelines, 2015. Collection method: clinical testing. Allele origin: germline. Affected: yes. Observed: 1 heterozygote.
Comment: Stop-gained (nonsense): predicted to result in a loss or disruption of normal protein function through nonsense-mediated decay (NMD) or protein truncation. Multiple pathogenic variants are reported downstream of the variant (PVS1_VS). It is observed at an extremely low frequency in the gnomAD v2.1.1 dataset (total allele frequency: 0.000004, PM2_M). Therefore, this variant is classified as likely pathogenic according to the recommendation of ACMG/AMP guideline.

Baylor Genetics
Classification: Likely pathogenic for PMM2-congenital disorder of glycosylation. Last evaluated: 2021-12-18. Review status: criteria provided, single submitter. Criteria: ACMG Guidelines, 2015. Collection method: clinical testing. Allele origin: unknown.

Literature cited by the submitters: PubMed 19862844 (cited by Labcorp Genetics (formerly Invitae), Labcorp).